The following is an entry in ClinVar:

NM_001042545.2(LTBP4):c.1045G>A (p.Gly349Ser)

Gene: LTBP4 (latent transforming growth factor beta binding protein 4; plus strand). Cytogenetic location: 19q13.2.
Variant type: single nucleotide variant.
Coding change: c.1045G>A on transcript NM_001042545.2 (MANE Select); coding-DNA position 1045, G replaced by A.
Protein change: p.Gly349Ser; replaces glycine 349 with serine.
Molecular consequence: missense variant.
Genome position (GRCh38, 1-based): chr19:40,607,418, G>A. VCF-style: chr19-40607418-G-A. GRCh37 (hg19) VCF-style: chr19-41113324-G-A.
Other names: c.1246G>A, p.Gly416Ser (NM_001042544.1); c.1135G>A, p.Gly379Ser (NM_003573.2); short protein forms G379S, G416S, G349S.
Identifiers: ClinVar variation 1482888 (VCV001482888.6), dbSNP rs577339340, ClinGen allele CA9448179.

ClinVar aggregate classification (germline): Uncertain significance (1 of 4 stars; one submission).

gnomAD v4.1: 4 of 1,612,986 alleles (0.00025%); highest among the groups gnomAD compares: Admixed American, 0.0017%; no homozygotes.

Submission:

Labcorp Genetics (formerly Invitae), Labcorp
Classification: Uncertain significance. Last evaluated: 2021-12-02. Review status: criteria provided, single submitter. Criteria: Invitae Variant Classification Sherloc (09022015). Collection method: clinical testing. Allele origin: germline.
Comment: In summary, the available evidence is currently insufficient to determine the role of this variant in disease. Therefore, it has been classified as a Variant of Uncertain Significance. Experimental studies and prediction algorithms are not available or were not evaluated, and the functional significance of this variant is currently unknown. This variant has not been reported in the literature in individuals affected with LTBP4-related conditions. The frequency data for this variant in the population databases is considered unreliable, as metrics indicate poor data quality at this position in the gnomAD database. This sequence change replaces glycine, which is neutral and non-polar, with serine, which is neutral and polar, at codon 379 of the LTBP4 protein (p.Gly379Ser).